The following is an entry in ClinVar:

ClinVar aggregate classification (germline): Uncertain significance (1 of 4 stars; one submission).

Allele frequency attached by ClinVar (database versions not stated): gnomAD 0.00001; TOPMed 0.00001; gnomAD exomes below 0.00001.
gnomAD v4.1: 2 of 1,613,422 alleles (0.00012%); highest among the groups gnomAD compares: Non-Finnish European, 0.00017%; no homozygotes.

Submission:

Labcorp Genetics (formerly Invitae), Labcorp
Classification: Uncertain significance. Last evaluated: 2026-01-05. Review status: criteria provided, single submitter. Criteria: Invitae Variant Classification Sherloc (09022015). Collection method: clinical testing. Allele origin: germline.
Comment: This sequence change replaces asparagine, which is neutral and polar, with aspartic acid, which is acidic and polar, at codon 1749 of the HIVEP2 protein (p.Asn1749Asp). This variant is not present in population databases (gnomAD no frequency). This variant has not been reported in the literature in individuals affected with HIVEP2-related conditions. ClinVar contains an entry for this variant (Variation ID: 2876846). Invitae Evidence Modeling of protein sequence and biophysical properties (such as structural, functional, and spatial information, amino acid conservation, physicochemical variation, residue mobility, and thermodynamic stability) indicates that this missense variant is not expected to disrupt HIVEP2 protein function with a negative predictive value of 80%. In summary, the available evidence is currently insufficient to determine the role of this variant in disease. Therefore, it has been classified as a Variant of Uncertain Significance.

NM_006734.4(HIVEP2):c.5245A>G (p.Asn1749Asp)

Gene: HIVEP2 (HIVEP zinc finger 2; minus strand). Cytogenetic location: 6q24.2.
Variant type: single nucleotide variant.
Coding change: c.5245A>G on transcript NM_006734.4 (MANE Select); coding-DNA position 5245, A replaced by G.
Protein change: p.Asn1749Asp; replaces asparagine 1749 with aspartic acid.
Molecular consequence: missense variant.
Genome position (GRCh38, 1-based): chr6:142,768,479, T>C on the plus strand (A>G on the coding strand, the complement: HIVEP2 is on the minus strand). VCF-style: chr6-142768479-T-C. GRCh37 (hg19) VCF-style: chr6-143089616-T-C.
Other names: short protein forms N1749D.
Identifiers: ClinVar variation 2876846 (VCV002876846.3), dbSNP rs1381599492, ClinGen allele CA365893850.
Genomic context (GRCh38, chr6:142,768,479, plus strand): 5'-GTTTGGATCCAATATCTTTATCTCCATGAATATCTCCTTTCCCTCTTTCCTTTAAGATAT[T>C]TCCCACTAGTTTCCTTTCTAGTTTGCTGCCAAATAAAAAGGACGCATCAGGTTTCATCTG-3'
Protein context (NP_006725.3, residues 1739-1759): GSKLERKLVG[Asn1749Asp]ILKERGKGDI